The following is an entry in ClinVar:

NM_001365088.1(SLC12A6):c.1694C>T (p.Ser565Phe)

Gene: SLC12A6 (solute carrier family 12 member 6; minus strand). Cytogenetic location: 15q14.
Variant type: single nucleotide variant.
Coding change: c.1694C>T on transcript NM_001365088.1 (MANE Select); coding-DNA position 1694, C replaced by T.
Protein change: p.Ser565Phe; replaces serine 565 with phenylalanine.
Molecular consequence: missense variant.
Genome position (GRCh38, 1-based): chr15:34,245,823, G>A on the plus strand (C>T on the coding strand, the complement: SLC12A6 is on the minus strand). VCF-style: chr15-34245823-G-A. GRCh37 (hg19) VCF-style: chr15-34538024-G-A.
Other names: c.1517C>T, p.Ser506Phe (NM_001042494.2, NM_001042495.2); c.1667C>T, p.Ser556Phe (NM_001042496.2); c.1649C>T, p.Ser550Phe (NM_001042497.2); c.1541C>T, p.Ser514Phe (NM_005135.2); c.1694C>T, p.Ser565Phe (NM_133647.2); short protein forms S550F, S506F, S556F, S514F, S565F.
Identifiers: ClinVar variation 4764129 (VCV004764129.1).

ClinVar aggregate classification (germline): Uncertain significance (1 of 4 stars; one submission).

Submission:

Labcorp Genetics (formerly Invitae), Labcorp
Classification: Uncertain significance. Last evaluated: 2025-06-12. Review status: criteria provided, single submitter. Criteria: Invitae Variant Classification Sherloc (09022015). Collection method: clinical testing. Allele origin: germline.
Comment: This sequence change replaces serine, which is neutral and polar, with phenylalanine, which is neutral and non-polar, at codon 565 of the SLC12A6 protein (p.Ser565Phe). This variant is not present in population databases (gnomAD no frequency). This variant has not been reported in the literature in individuals affected with SLC12A6-related conditions. Invitae Evidence Modeling of protein sequence and biophysical properties (such as structural, functional, and spatial information, amino acid conservation, physicochemical variation, residue mobility, and thermodynamic stability) has been performed for this missense variant. However, the output from this modeling did not meet the statistical confidence thresholds required to predict the impact of this variant on SLC12A6 protein function. In summary, the available evidence is currently insufficient to determine the role of this variant in disease. Therefore, it has been classified as a Variant of Uncertain Significance.